The following is an entry in ClinVar:

NM_006231.4(POLE):c.204T>G (p.Pro68=)

Gene: POLE (DNA polymerase epsilon, catalytic subunit; minus strand). Cytogenetic location: 12q24.33.
Variant type: single nucleotide variant.
Coding change: c.204T>G on transcript NM_006231.4 (MANE Select); coding-DNA position 204, T replaced by G.
Protein change: p.Pro68=; no amino-acid change (proline 68 retained).
Molecular consequence: synonymous variant.
Genome position (GRCh38, 1-based): chr12:132,681,138, A>C on the plus strand (T>G on the coding strand, the complement: POLE is on the minus strand). VCF-style: chr12-132681138-A-C. GRCh37 (hg19) VCF-style: chr12-133257724-A-C.
Identifiers: ClinVar variation 863883 (VCV000863883.9), dbSNP rs1470560381, ClinGen allele CA482725412.

ClinVar aggregate classification (germline): Uncertain significance (1 of 4 stars; one submission).

Allele frequency attached by ClinVar (database versions not stated): gnomAD 0.00001.
gnomAD v4.1: 1 of 1,613,944 alleles (0.000062%); highest among the groups gnomAD compares: East Asian, 0.0022%; no homozygotes.

Submission:

Labcorp Genetics (formerly Invitae), Labcorp
Classification: Uncertain significance. Last evaluated: 2019-04-08. Review status: criteria provided, single submitter. Criteria: Invitae Variant Classification Sherloc (09022015). Collection method: clinical testing. Allele origin: germline.
Comment: In summary, the available evidence is currently insufficient to determine the role of this variant in disease. Therefore, it has been classified as a Variant of Uncertain Significance. Algorithms developed to predict the effect of sequence changes on RNA splicing suggest that this variant may create or strengthen a splice site, but this prediction has not been confirmed by published transcriptional studies. This variant has not been reported in the literature in individuals with POLE-related conditions. This variant is not present in population databases (ExAC no frequency). This sequence change affects codon 68 of the POLE mRNA. It is a 'silent' change, meaning that it does not change the encoded amino acid sequence of the POLE protein.